The following is an entry in ClinVar:

NM_001110556.2(FLNA):c.6307A>G (p.Arg2103Gly)

Gene: FLNA (filamin A; minus strand). Cytogenetic location: Xq28.
Variant type: single nucleotide variant.
Coding change: c.6307A>G on transcript NM_001110556.2 (MANE Select); coding-DNA position 6307, A replaced by G.
Protein change: p.Arg2103Gly; replaces arginine 2103 with glycine.
Molecular consequence: missense variant.
Genome position (GRCh38, 1-based): chrX:154,352,844, T>C on the plus strand (A>G on the coding strand, the complement: FLNA is on the minus strand). VCF-style: chrX-154352844-T-C. GRCh37 (hg19) VCF-style: chrX-153581212-T-C.
Other names: c.6283A>G, p.Arg2095Gly (NM_001456.4); short protein forms R2095G, R2103G.
Identifiers: ClinVar variation 435205 (VCV000435205.18), dbSNP rs370277156, ClinGen allele CA10560119.
Genomic context (GRCh38, chrX:154,352,844, plus strand): 5'-GGTCGGCAAACTTGATGTTGATGATGTAGTTGCCTGGCTCTGTGGGGCAGTAGGTGACCC[T>C]GCACGTCCCGTCCTCCAGGTCCTCTGTGTTGATGTCCACCTTGCTGGGGCCCTCAATGGA-3'
Protein context (NP_001104026.1, residues 2093-2113): NTEDLEDGTC[Arg2103Gly]VTYCPTEPGN

ClinVar aggregate classification (germline): Conflicting classifications of pathogenicity. Review status: criteria provided, conflicting classifications (1 of 4 stars). 4 submissions from 4 submitters: Uncertain significance (2); Likely benign (2). Last evaluated 2026-08-29.

Conditions:
Familial thoracic aortic aneurysm and aortic dissection (TAAD). Also called: Thoracic aortic aneurysms and dissections. Identifiers: Orphanet 91387, MedGen C4707243, MONDO:0019625.
Heterotopia, periventricular, X-linked dominant (PVNH1). Also called: PERIVENTRICULAR NODULAR HETEROTOPIA 1; X-linked periventricular heterotopia; PERIVENTRICULAR NODULAR HETEROTOPIA 4; HETEROTOPIA, PERIVENTRICULAR, 1. Identifiers: Orphanet 2149, Orphanet 82004, MedGen C1848213, MONDO:0010233, OMIM 300049.
Oto-palato-digital syndrome, type II (OPD2). Also called: Otopalatodigital Syndrome, Type II; FACIOPALATOOSSEOUS SYNDROME; OPD II SYNDROME; Otopalatodigital Syndrome Type 2 (FLNA-OPD2). Identifiers: Orphanet 669, Orphanet 90652, MedGen C1844696, MONDO:0010571, OMIM 304120.
Frontometaphyseal dysplasia (FMD1). Identifiers: Orphanet 1826, MedGen C0265293, MONDO:0015942.
Melnick-Needles syndrome (MNS). Also called: MELNICK-NEEDLES OSTEODYSPLASTY; OSTEODYSPLASTY OF MELNICK AND NEEDLES; Melnick-Needles Syndrome (FLNA-MNS). Identifiers: Orphanet 2484, MedGen C0025237, MONDO:0010650, OMIM 309350.

Allele frequency attached by ClinVar (database versions not stated): gnomAD exomes 0.00001 and 0.00004; ExAC 0.00003; gnomAD 0.00009 and 0.00010; ESP Exome Variant Server 0.00010; TOPMed 0.00012.
gnomAD v4.1: 23 of 1,209,958 alleles (0.0019%); highest among the groups gnomAD compares: African/African-American, 0.038%; no homozygotes.

Submissions (4):

Ambry Genetics
Classification: Uncertain significance for Familial thoracic aortic aneurysm and aortic dissection. Last evaluated: 2026-08-29. Review status: criteria provided, single submitter. Criteria: Ambry Variant Classification Scheme 2023. Collection method: clinical testing. Allele origin: germline.
Comment: The p.R2095G variant (also known as c.6283A>G), located in coding exon 37 of the FLNA gene, results from an A to G substitution at nucleotide position 6283. The arginine at codon 2095 is replaced by glycine, an amino acid with dissimilar properties. This amino acid position is conserved. In addition, the in silico prediction for this alteration is inconclusive. Based on the available evidence, the clinical significance of this variant remains unclear.

Labcorp Genetics (formerly Invitae), Labcorp
Classification: Likely benign for Oto-palato-digital syndrome, type II; Heterotopia, periventricular, X-linked dominant; Frontometaphyseal dysplasia; Melnick-Needles syndrome. Last evaluated: 2025-12-21. Review status: criteria provided, single submitter. Criteria: Invitae Variant Classification Sherloc (09022015). Collection method: clinical testing. Allele origin: germline.

GeneDx
Classification: Likely benign. Last evaluated: 2020-12-10. Review status: criteria provided, single submitter. Criteria: GeneDx Variant Classification Process June 2021. Collection method: clinical testing. Allele origin: germline. Affected: yes.

Genetic Services Laboratory, University of Chicago
Classification: Uncertain significance. Last evaluated: 2017-01-19. Review status: criteria provided, single submitter. Criteria: ACMG Guidelines, 2015. Collection method: clinical testing. Allele origin: germline. Affected: no.